The following is an entry in ClinVar:

ClinVar aggregate classification (germline): Uncertain significance (1 of 4 stars; one submission).

Submission:

Labcorp Genetics (formerly Invitae), Labcorp
Classification: Uncertain significance. Last evaluated: 2025-07-04. Review status: criteria provided, single submitter. Criteria: Invitae Variant Classification Sherloc (09022015). Collection method: clinical testing. Allele origin: germline.
Comment: This sequence change falls in intron 12 of the ARHGEF1 gene. It does not directly change the encoded amino acid sequence of the ARHGEF1 protein. It affects a nucleotide within the consensus splice site. This variant is present in population databases (rs782567194, gnomAD 0.0009%). This variant has not been reported in the literature in individuals affected with ARHGEF1-related conditions. Variants that disrupt the consensus splice site are a relatively common cause of aberrant splicing (PMID: 17576681, 9536098). Algorithms developed to predict the effect of sequence changes on RNA splicing suggest that this variant is not likely to affect RNA splicing. In summary, the available evidence is currently insufficient to determine the role of this variant in disease. Therefore, it has been classified as a Variant of Uncertain Significance.

Literature cited by the submitters: PubMed 17576681; PubMed 9536098.

NM_004706.4(ARHGEF1):c.1015+6_1015+7del

Gene: ARHGEF1 (Rho guanine nucleotide exchange factor 1; plus strand). Cytogenetic location: 19q13.2.
Variant type: Microsatellite.
Coding change: c.1015+6_1015+7del on transcript NM_004706.4 (MANE Select); bases 6 to 7 of the intron after coding-DNA position 1015, 2 bases deleted (AG; older notation c.1015+6_1015+7delAG).
Molecular consequence: intron variant.
Genome position (GRCh38, 1-based): chr19:41,895,492-41,895,493, AG deleted; deleting any 2 consecutive bases within chr19:41,895,489-41,895,493 gives the same sequence; the c. name uses the placement nearest the transcript's 3' end. VCF-style (leftmost placement, unchanged base first): chr19-41895488-TGA-T. GRCh37 (hg19) VCF-style: chr19-42399561-TGA-T.
Other names: c.1015+6_1015+7del (NM_001396003.1, NM_001396000.1, NM_001396006.1); c.916+6_916+7del (NM_001396002.1, NM_198977.2, NM_001396004.1); c.1060+6_1060+7del (NM_199002.2).
Identifiers: ClinVar variation 3603899 (VCV003603899.2).
Genomic context (GRCh38, chr19:41,895,488, plus strand): 5'-GGACACCCCTGGAGTCTCTCTGCACCCTCTGTCCCTGGACAGCCCAGACCGGGAACCAGG[TGA>T]GAGTTTCCTGGGCCAGGGCTCCATGAGGCCCGGCGATCCAGGGTGGGGGTGCTGCCTGCC-3'